The following is an entry in ClinVar:

NM_006785.4(MALT1):c.672A>T (p.Glu224Asp)

Gene: MALT1 (MALT1 paracaspase; plus strand). Cytogenetic location: 18q21.32.
Variant type: single nucleotide variant.
Coding change: c.672A>T on transcript NM_006785.4 (MANE Select); coding-DNA position 672, A replaced by T.
Protein change: p.Glu224Asp; replaces glutamic acid 224 with aspartic acid.
Molecular consequence: missense variant.
Genome position (GRCh38, 1-based): chr18:58,709,400, A>T. VCF-style: chr18-58709400-A-T. GRCh37 (hg19) VCF-style: chr18-56376632-A-T.
Other names: c.672A>T, p.Glu224Asp (NM_173844.3); short protein forms E224D.
Identifiers: ClinVar variation 1376834 (VCV001376834.6), dbSNP rs2144387302, ClinGen allele CA402573111.

ClinVar aggregate classification (germline): Uncertain significance. Review status: criteria provided, multiple submitters, no conflicts (2 of 4 stars). 2 submissions from 2 submitters: Uncertain significance (2). Last evaluated 2021-09-24.

Conditions:
Combined immunodeficiency due to MALT1 deficiency. Also called: Immunodeficiency 12. Identifiers: Orphanet 397964, MedGen C3809583, MONDO:0014197, OMIM 615468.

Submissions (2):

Labcorp Genetics (formerly Invitae), Labcorp
Classification: Uncertain significance for Combined immunodeficiency due to MALT1 deficiency. Last evaluated: 2021-09-24. Review status: criteria provided, single submitter. Criteria: Invitae Variant Classification Sherloc (09022015). Collection method: clinical testing. Allele origin: germline.
Comment: This sequence change replaces glutamic acid with aspartic acid at codon 224 of the MALT1 protein (p.Glu224Asp). The glutamic acid residue is highly conserved and there is a small physicochemical difference between glutamic acid and aspartic acid. This variant is not present in population databases (ExAC no frequency). This variant has not been reported in the literature in individuals with MALT1-related conditions. Algorithms developed to predict the effect of missense changes on protein structure and function output the following: SIFT: "Tolerated"; PolyPhen-2: "Benign"; Align-GVGD: "Class C0". The aspartic acid amino acid residue is found in multiple mammalian species, suggesting that this missense change does not adversely affect protein function. These predictions have not been confirmed by published functional studies and their clinical significance is uncertain. In summary, the available evidence is currently insufficient to determine the role of this variant in disease. Therefore, it has been classified as a Variant of Uncertain Significance.

Breakthrough Genomics
Classification: Uncertain significance. Review status: criteria provided, single submitter. Criteria: ACMG Guidelines, 2015. Collection method: not provided. Allele origin: germline. Inheritance: Autosomal recessive inheritance. Affected: yes.